The following is an entry in ClinVar:

ClinVar aggregate classification (germline): Uncertain significance (1 of 4 stars; one submission).

Submission:

GeneDx
Classification: Uncertain significance. Last evaluated: 2019-09-21. Review status: criteria provided, single submitter. Criteria: GeneDx Variant Classification Process June 2021. Collection method: clinical testing. Allele origin: germline. Affected: yes.
Comment: Not observed in large population cohorts (Lek et al., 2016); In silico analysis, which includes protein predictors and evolutionary conservation, supports a deleterious effect; Has not been previously published as pathogenic or benign to our knowledge

NM_006158.5(NEFL):c.1142C>T (p.Ala381Val)

Genes: NEFL (neurofilament light chain; minus strand), LOC126860330 (BRD4-independent group 4 enhancer GRCh37_chr8:24811677-24812876; plus strand). Cytogenetic location: 8p21.2.
Variant type: single nucleotide variant.
Coding change: c.1142C>T on transcript NM_006158.5 (MANE Select); coding-DNA position 1142, C replaced by T.
Protein change: p.Ala381Val; replaces alanine 381 with valine.
Molecular consequence: missense variant.
Genome position (GRCh38, 1-based): chr8:24,954,208, G>A on the plus strand (C>T on the coding strand, the complement: NEFL is on the minus strand). VCF-style: chr8-24954208-G-A. GRCh37 (hg19) VCF-style: chr8-24811722-G-A.
Other names: short protein forms A381V.
Identifiers: ClinVar variation 1312207 (VCV001312207.2), dbSNP rs2117252346, ClinGen allele CA370620816.
Genomic context (GRCh38, chr8:24,954,208, plus strand): 5'-TAATGGCTGCTGTCTTTGCCCCTCTATTTTCACCTGTAAGCTGCAATCTCAATATCCAAA[G>A]CCATCTTCACGTTGAGGAGGTCTTGGTATTCTTTTAGGTATCGTGCCATTTCACTCTTTG-3'
Protein context (NP_006149.2, residues 371-391): EYQDLLNVKM[Ala381Val]LDIEIAAYRK